The following is an entry in ClinVar:

ClinVar aggregate classification (germline): Uncertain significance. Review status: criteria provided, multiple submitters, no conflicts (2 of 4 stars). 3 submissions from 3 submitters: Uncertain significance (3). Last evaluated 2025-12-31.

Conditions:
Cardiovascular phenotype. Identifiers: MedGen CN230736.
Myofibrillar myopathy 5. Also called: Filaminopathy (type); FILAMINOPATHY, AUTOSOMAL DOMINANT. Identifiers: Orphanet 171445, MedGen C1836050, MONDO:0012289, OMIM 609524.
Hypertrophic cardiomyopathy 26. Also called: Cardiomyopathy, familial hypertrophic, 26. Identifiers: Orphanet 75249, MedGen C4310749, MONDO:0014883, OMIM 617047.
Distal myopathy with posterior leg and anterior hand involvement. Also called: WILLIAMS DISTAL MYOPATHY. Identifiers: Orphanet 63273, MedGen C3279722, MONDO:0013550, OMIM 614065.

Allele frequency attached by ClinVar (database versions not stated): gnomAD 0.00002 and 0.00003; TOPMed 0.00003; ESP Exome Variant Server 0.00008.
gnomAD v4.1: 32 of 1,613,944 alleles (0.002%); highest among the groups gnomAD compares: Non-Finnish European, 0.0025%; no homozygotes.

Submissions (3):

GeneDx
Classification: Uncertain significance. Last evaluated: 2025-12-31. Review status: criteria provided, single submitter. Criteria: GeneDx Variant Classification Process June 2021. Collection method: clinical testing. Allele origin: germline.
Comment: Reported previously as a heterozygous variant of uncertain significance in a patient with distal limb weakness, elevated CK level, myogenic potential on EMG, and amorphous material and RVs in myofibers on HE staining; however, segregation testing was not performed (PMID: 39973468); In silico analysis supports that this missense variant has a deleterious effect on protein structure/function; This variant is associated with the following publications: (PMID: 39973468)

Labcorp Genetics (formerly Invitae), Labcorp
Classification: Uncertain significance for Distal myopathy with posterior leg and anterior hand involvement; Myofibrillar myopathy 5; Hypertrophic cardiomyopathy 26. Last evaluated: 2025-12-21. Review status: criteria provided, single submitter. Criteria: Invitae Variant Classification Sherloc (09022015). Collection method: clinical testing. Allele origin: germline.
Comment: This sequence change replaces threonine, which is neutral and polar, with alanine, which is neutral and non-polar, at codon 2095 of the FLNC protein (p.Thr2095Ala). This variant is present in population databases (rs373022507, gnomAD 0.003%). This variant has not been reported in the literature in individuals affected with FLNC-related conditions. ClinVar contains an entry for this variant (Variation ID: 645915). Invitae Evidence Modeling of protein sequence and biophysical properties (such as structural, functional, and spatial information, amino acid conservation, physicochemical variation, residue mobility, and thermodynamic stability) has been performed for this missense variant. However, the output from this modeling did not meet the statistical confidence thresholds required to predict the impact of this variant on FLNC protein function. In summary, the available evidence is currently insufficient to determine the role of this variant in disease. Therefore, it has been classified as a Variant of Uncertain Significance.

Ambry Genetics
Classification: Uncertain significance for Cardiovascular phenotype. Last evaluated: 2025-08-12. Review status: criteria provided, single submitter. Criteria: Ambry Variant Classification Scheme 2023. Collection method: clinical testing. Allele origin: germline.
Comment: The p.T2095A variant (also known as c.6283A>G), located in coding exon 38 of the FLNC gene, results from an A to G substitution at nucleotide position 6283. The threonine at codon 2095 is replaced by alanine, an amino acid with similar properties. This variant was reported in individual(s) with features consistent with myofibrillar myopathy (Wang Q et al. J Neuromuscul Dis, 2024 Nov;11:1247-1259). This amino acid position is highly conserved in available vertebrate species. In addition, this alteration is predicted to be deleterious by in silico analysis. Based on the available evidence, the clinical significance of this variant remains unclear.

Literature cited by the submitters: PubMed 39973468 (cited by Ambry Genetics).

NM_001458.5(FLNC):c.6283A>G (p.Thr2095Ala)

Genes: FLNC (filamin C; plus strand), FLNC-AS1 (FLNC antisense RNA 1; minus strand). Cytogenetic location: 7q32.1.
Variant type: single nucleotide variant.
Coding change: c.6283A>G on transcript NM_001458.5 (MANE Select); coding-DNA position 6283, A replaced by G.
Protein change: p.Thr2095Ala; replaces threonine 2095 with alanine.
Molecular consequence: missense variant.
Genome position (GRCh38, 1-based): chr7:128,853,543, A>G. VCF-style: chr7-128853543-A-G. GRCh37 (hg19) VCF-style: chr7-128493597-A-G.
Other names: c.6184A>G, p.Thr2062Ala (NM_001127487.2); short protein forms T2062A, T2095A.
Identifiers: ClinVar variation 645915 (VCV000645915.14), dbSNP rs373022507, ClinGen allele CA4475934.